The following is an entry in ClinVar:

ClinVar aggregate classification (germline): Uncertain significance (1 of 4 stars; one submission).

Submission:

GeneDx
Classification: Uncertain significance. Last evaluated: 2023-08-04. Review status: criteria provided, single submitter. Criteria: GeneDx Variant Classification Process June 2021. Collection method: clinical testing. Allele origin: germline. Affected: yes.
Comment: Not observed at significant frequency in large population cohorts (gnomAD); In silico analysis supports that this missense variant does not alter protein structure/function; Has not been previously published as pathogenic or benign to our knowledge

NM_014491.4(FOXP2):c.217T>G (p.Leu73Val)

Gene: FOXP2 (forkhead box P2; plus strand). Cytogenetic location: 7q31.1.
Variant type: single nucleotide variant.
Coding change: c.217T>G on transcript NM_014491.4 (MANE Select); coding-DNA position 217, T replaced by G.
Protein change: p.Leu73Val; replaces leucine 73 with valine.
Molecular consequence: missense variant. On other transcripts: non-coding transcript variant (2).
Genome position (GRCh38, 1-based): chr7:114,534,665, T>G. VCF-style: chr7-114534665-T-G. GRCh37 (hg19) VCF-style: chr7-114174720-T-G.
Other names: c.217T>G, p.Leu73Val (NM_001172766.3, NM_001172767.2, NM_148898.4 and 2 more transcripts); short protein forms L73V.
Identifiers: ClinVar variation 3361872 (VCV003361872.1).